The following is an entry in ClinVar:

ClinVar aggregate classification (germline): Pathogenic/Likely pathogenic. Review status: criteria provided, multiple submitters, no conflicts (2 of 4 stars). 4 submissions from 4 submitters: Pathogenic (2); Likely pathogenic (2). Last evaluated 2025-02-16.

Conditions:
Multiple acyl-CoA dehydrogenase deficiency (MADD). Also called: Glutaric Acidemia type 2; ETHYLMALONIC-ADIPICACIDURIA; GA II; Glutaric acidemia type II; GA 2; Glutaric aciduria, type 2. Identifiers: Orphanet 26791, MedGen C0268596, MONDO:0009282, OMIM 231680.

Allele frequency attached by ClinVar (database versions not stated): gnomAD exomes below 0.00001.

Submissions (4):

Laboratory of Genetics, Children's Clinical University Hospital Latvia
Classification: Pathogenic. Last evaluated: 2025-02-16. Review status: criteria provided, single submitter. Criteria: ACMG Guidelines, 2015. Collection method: clinical testing. Allele origin: germline. Affected: yes.

Fulgent Genetics
Classification: Likely pathogenic for Multiple acyl-CoA dehydrogenase deficiency. Last evaluated: 2024-05-08. Review status: criteria provided, single submitter. Criteria: ACMG Guidelines, 2015. Collection method: clinical testing. Allele origin: germline.

Baylor Genetics
Classification: Likely pathogenic for Multiple acyl-CoA dehydrogenase deficiency. Last evaluated: 2023-09-13. Review status: criteria provided, single submitter. Criteria: ACMG Guidelines, 2015. Collection method: clinical testing. Allele origin: unknown.

Labcorp Genetics (formerly Invitae), Labcorp
Classification: Pathogenic for Multiple acyl-CoA dehydrogenase deficiency. Last evaluated: 2023-08-04. Review status: criteria provided, single submitter. Criteria: Invitae Variant Classification Sherloc (09022015). Collection method: clinical testing. Allele origin: germline.
Comment: For these reasons, this variant has been classified as Pathogenic. ClinVar contains an entry for this variant (Variation ID: 834431). This variant has not been reported in the literature in individuals affected with ETFDH-related conditions. This variant is not present in population databases (gnomAD no frequency). This sequence change creates a premature translational stop signal (p.Leu519Valfs*9) in the ETFDH gene. It is expected to result in an absent or disrupted protein product. Loss-of-function variants in ETFDH are known to be pathogenic (PMID: 16510302, 23785301).

Literature cited by the submitters: PubMed 16510302 (cited by Labcorp Genetics (formerly Invitae), Labcorp); PubMed 23785301 (cited by Labcorp Genetics (formerly Invitae), Labcorp).

NM_004453.4(ETFDH):c.1555_1556del (p.Leu519fs)

Gene: ETFDH (electron transfer flavoprotein dehydrogenase; plus strand). Cytogenetic location: 4q32.1.
Variant type: Deletion.
Coding change: c.1555_1556del on transcript NM_004453.4 (MANE Select); coding-DNA positions 1555 to 1556, 2 bases deleted (TT; older notation c.1555_1556delTT).
Protein change: p.Leu519fs; shifts the reading frame from leucine 519.
Molecular consequence: frameshift variant.
Genome position (GRCh38, 1-based): chr4:158,706,715-158,706,716, TT deleted. VCF-style (leftmost placement, unchanged base first): chr4-158706714-CTT-C. GRCh37 (hg19) VCF-style: chr4-159627866-CTT-C.
Other names: c.1414_1415del, p.Leu472fs (NM_001281737.2); c.1372_1373del, p.Leu458fs (NM_001281738.1); short protein forms L472fs, L458fs, L519fs.
Identifiers: ClinVar variation 834431 (VCV000834431.11), dbSNP rs1774630121, ClinGen allele CA916082665.
Genomic context (GRCh38, chr4:158,706,714, plus strand): 5'-AGCCAAGGATTGCACACCTATTGAGTATCCAAAACCCGATGGACAGATCAGTTTTGACCT[CTT>C]GTCATCTGTGGCTCTGAGTGGTACTAATCATGAACATGACCAGCCGGCACACTTAACCTT-3'